The following is an entry in ClinVar:

ClinVar aggregate classification (germline): Uncertain significance (1 of 4 stars; one submission).

Conditions:
Cardiovascular phenotype. Identifiers: MedGen CN230736.

gnomAD v4.1: 82 of 1,586,542 alleles (0.0052%); highest among the groups gnomAD compares: South Asian, 0.088%; 1 homozygote.

Submission:

Ambry Genetics
Classification: Uncertain significance for Cardiovascular phenotype. Last evaluated: 2025-08-21. Review status: criteria provided, single submitter. Criteria: Ambry Variant Classification Scheme 2023. Collection method: clinical testing. Allele origin: germline.
Comment: The p.L694* variant (also known as c.2081T>A), located in coding exon 41 of the TRDN gene, results from a T to A substitution at nucleotide position 2081. This changes the amino acid from a leucine to a stop codon within coding exon 41. This variant was reported in a healthy cohort (Bajaj A et al. Hum Genomics, 2022 Aug;16:30). This alteration is expected to result in premature protein truncation or nonsense-mediated mRNA decay. However, this alteration does not impact the predominant cardiac isoform of TRDN (NM_001256021.1; Kobayashi YM et al. J. Biol. Chem., 1999 Oct;274:28660-8). Since supporting evidence is limited at this time, the clinical significance of this alteration remains unclear.

Literature cited by the submitters: PubMed 35932045.

NM_006073.4(TRDN):c.2081T>A (p.Leu694Ter)

Gene: TRDN (triadin; minus strand). Cytogenetic location: 6q22.31.
Variant type: single nucleotide variant.
Coding change: c.2081T>A on transcript NM_006073.4 (MANE Select); coding-DNA position 2081, T replaced by A.
Protein change: p.Leu694Ter; replaces leucine 694 with a stop codon.
Molecular consequence: nonsense.
Genome position (GRCh38, 1-based): chr6:123,218,710, A>T on the plus strand (T>A on the coding strand, the complement: TRDN is on the minus strand). VCF-style: chr6-123218710-A-T. GRCh37 (hg19) VCF-style: chr6-123539855-A-T.
Other names: short protein forms L694*.
Identifiers: ClinVar variation 4190183 (VCV004190183.1).